The following is an entry in ClinVar:

NM_000037.4(ANK1):c.3605A>G (p.Asn1202Ser)

Gene: ANK1 (ankyrin 1; minus strand). Cytogenetic location: 8p11.21.
Variant type: single nucleotide variant.
Coding change: c.3605A>G on transcript NM_000037.4 (MANE Select); coding-DNA position 3605, A replaced by G.
Protein change: p.Asn1202Ser; replaces asparagine 1202 with serine.
Molecular consequence: missense variant.
Genome position (GRCh38, 1-based): chr8:41,693,129, T>C on the plus strand (A>G on the coding strand, the complement: ANK1 is on the minus strand). VCF-style: chr8-41693129-T-C. GRCh37 (hg19) VCF-style: chr8-41550647-T-C.
Other names: c.3728A>G, p.Asn1243Ser (NM_001142446.2); c.3605A>G, p.Asn1202Ser (NM_020475.3, NM_020476.3, NM_020477.3); short protein forms N1202S, N1243S.
Identifiers: ClinVar variation 3696163 (VCV003696163.2).

ClinVar aggregate classification (germline): Uncertain significance (1 of 4 stars; one submission).

gnomAD v4.1: 1 of 1,613,382 alleles (0.000062%); highest among the groups gnomAD compares: East Asian, 0.0022%; no homozygotes.

Submission:

Labcorp Genetics (formerly Invitae), Labcorp
Classification: Uncertain significance. Last evaluated: 2024-07-19. Review status: criteria provided, single submitter. Criteria: Invitae Variant Classification Sherloc (09022015). Collection method: clinical testing. Allele origin: germline.
Comment: This sequence change replaces asparagine, which is neutral and polar, with serine, which is neutral and polar, at codon 1202 of the ANK1 protein (p.Asn1202Ser). The frequency data for this variant in the population databases is considered unreliable, as metrics indicate poor data quality at this position in the gnomAD database. This variant has not been reported in the literature in individuals affected with ANK1-related conditions. Advanced modeling of protein sequence and biophysical properties (such as structural, functional, and spatial information, amino acid conservation, physicochemical variation, residue mobility, and thermodynamic stability) performed at Invitae indicates that this missense variant is not expected to disrupt ANK1 protein function with a negative predictive value of 80%. In summary, the available evidence is currently insufficient to determine the role of this variant in disease. Therefore, it has been classified as a Variant of Uncertain Significance.